The following is an entry in ClinVar:

NM_003105.6(SORL1):c.5248C>T (p.Pro1750Ser)

Gene: SORL1 (sortilin related receptor 1; plus strand). Cytogenetic location: 11q24.1.
Variant type: single nucleotide variant.
Coding change: c.5248C>T on transcript NM_003105.6 (MANE Select); coding-DNA position 5248, C replaced by T.
Protein change: p.Pro1750Ser; replaces proline 1750 with serine.
Molecular consequence: missense variant.
Genome position (GRCh38, 1-based): chr11:121,611,084, C>T. VCF-style: chr11-121611084-C-T. GRCh37 (hg19) VCF-style: chr11-121481793-C-T.
Other names: short protein forms P1750S.
Identifiers: ClinVar variation 1944858 (VCV001944858.5), dbSNP rs763654304, ClinGen allele CA6329887.

ClinVar aggregate classification (germline): Uncertain significance (1 of 4 stars; one submission).

Allele frequency attached by ClinVar (database versions not stated): gnomAD exomes below 0.00001; ExAC 0.00001; gnomAD 0.00001; TOPMed 0.00002.

Submission:

Labcorp Genetics (formerly Invitae), Labcorp
Classification: Uncertain significance. Last evaluated: 2022-08-08. Review status: criteria provided, single submitter. Criteria: Invitae Variant Classification Sherloc (09022015). Collection method: clinical testing. Allele origin: germline.
Comment: In summary, the available evidence is currently insufficient to determine the role of this variant in disease. Therefore, it has been classified as a Variant of Uncertain Significance. Algorithms developed to predict the effect of missense changes on protein structure and function (SIFT, PolyPhen-2, Align-GVGD) all suggest that this variant is likely to be tolerated. This variant has not been reported in the literature in individuals affected with SORL1-related conditions. This variant is present in population databases (rs763654304, gnomAD 0.007%). This sequence change replaces proline, which is neutral and non-polar, with serine, which is neutral and polar, at codon 1750 of the SORL1 protein (p.Pro1750Ser).